The following is an entry in ClinVar:

ClinVar aggregate classification (germline): Pathogenic (1 of 4 stars; one submission).

Conditions:
Ehlers-Danlos syndrome, classic type, 1 (EDSCL1). Also called: EHLERS-DANLOS SYNDROME, GRAVIS TYPE; EHLERS-DANLOS SYNDROME, SEVERE CLASSIC TYPE; Ehlers-Danlos syndrome, type 1; Ehlers-Danlos Syndrome, Classic Type, COL5A1-Related; EDS I. Identifiers: MedGen C0268335, MONDO:0019567, OMIM 130000.
Osteogenesis imperfecta type I (OI1). Also called: OI, TYPE I; OSTEOGENESIS IMPERFECTA TARDA; OSTEOGENESIS IMPERFECTA WITH BLUE SCLERAE; Osteogenesis imperfecta type 1; Lobstein's Disease; Lobstein disease. Identifiers: Orphanet 216796, Orphanet 666, MedGen C0023931, MONDO:0008146, OMIM 166200. Disease mechanism: loss of function.

Submission:

Labcorp Genetics (formerly Invitae), Labcorp
Classification: Pathogenic for Osteogenesis imperfecta type I; Ehlers-Danlos syndrome, classic type, 1. Last evaluated: 2025-05-11. Review status: criteria provided, single submitter. Criteria: Invitae Variant Classification Sherloc (09022015). Collection method: clinical testing. Allele origin: germline.
Comment: This sequence change creates a premature translational stop signal (p.Glu590Asnfs*92) in the COL1A2 gene. It is expected to result in an absent or disrupted protein product. Loss-of-function variants in COL1A2 are known to be pathogenic (PMID: 11288717, 15077201). This variant is not present in population databases (gnomAD no frequency). This variant has not been reported in the literature in individuals affected with COL1A2-related conditions. Algorithms developed to predict the effect of sequence changes on RNA splicing suggest that this variant may disrupt the consensus splice site. For these reasons, this variant has been classified as Pathogenic.

Literature cited by the submitters: PubMed 11288717; PubMed 15077201.

NC_000007.14:g.94416408del

Gene: COL1A2 (collagen type I alpha 2 chain; plus strand). Cytogenetic location: 7q21.3.
Variant type: Deletion.
Genome position: GRCh38 VCF-style: chr7-94416403-AG-A. GRCh37 (hg19) VCF-style: chr7-94045715-AG-A.
Identifiers: ClinVar variation 4784604 (VCV004784604.1).
Genomic context (GRCh38, chr7:94,416,403, plus strand): 5'-TGTAAAACAGTATCACTGAAAGTGATGAATGGTGCAACACTTCTTCTAATCACTTTTTTC[AG>A]GGGGAACGCGGTCCCCCAGGTGAGAGTGGTGCTGCCGGTCCTACTGGTCCTATTGGAAGC-3'